The following is an entry in ClinVar:

ClinVar aggregate classification (germline): Uncertain significance (1 of 4 stars; one submission).

Conditions:
Inborn genetic diseases. Identifiers: MedGen C0950123, MeSH D030342.

gnomAD v4.1: 1 of 1,610,986 alleles (0.000062%); highest among the groups gnomAD compares: Admixed American, 0.0017%; no homozygotes.

Submission:

Ambry Genetics
Classification: Uncertain significance for Inborn genetic diseases. Last evaluated: 2026-03-11. Review status: criteria provided, single submitter. Criteria: Ambry Variant Classification Scheme 2023. Collection method: clinical testing. Allele origin: germline.
Comment: The p.S332R variant (also known as c.996C>A), located in coding exon 7 of the MECOM gene, results from a C to A substitution at nucleotide position 996. The serine at codon 332 is replaced by arginine, an amino acid with dissimilar properties. This amino acid position is conserved. In addition, the in silico prediction for this alteration is inconclusive. Based on the available evidence, the clinical significance of this variant remains unclear.

NM_004991.4(MECOM):c.996C>A (p.Ser332Arg)

Gene: MECOM (MDS1 and EVI1 complex locus; minus strand). Cytogenetic location: 3q26.2.
Variant type: single nucleotide variant.
Coding change: c.996C>A on transcript NM_004991.4 (MANE Select); coding-DNA position 996, C replaced by A.
Protein change: p.Ser332Arg; replaces serine 332 with arginine.
Molecular consequence: missense variant.
Genome position (GRCh38, 1-based): chr3:169,121,192, G>T on the plus strand (C>A on the coding strand, the complement: MECOM is on the minus strand). VCF-style: chr3-169121192-G-T. GRCh37 (hg19) VCF-style: chr3-168838980-G-T.
Other names: c.627C>A, p.Ser209Arg (NM_001105077.4); c.432C>A, p.Ser144Arg (NM_001105078.4, NM_001164000.2, NM_001205194.2 and 5 more transcripts); c.435C>A, p.Ser145Arg (NM_001163999.2, NM_001366467.2, NM_001366468.2 and 1 more transcripts); c.996C>A, p.Ser332Arg (NM_001366466.2, NM_001366473.2); short protein forms S209R, S144R, S145R, S332R.
Identifiers: ClinVar variation 4826725 (VCV004826725.1).